The following is an entry in ClinVar:

ClinVar aggregate classification (germline): Likely benign. Review status: criteria provided, multiple submitters, no conflicts (2 of 4 stars). 3 submissions from 3 submitters: Likely benign (3). Last evaluated 2026-05-01.

Conditions:
Fanconi anemia (FA). Also called: Fanconi's anemia. Identifiers: Orphanet 84, MedGen C0015625, MeSH D005199, MONDO:0019391.

Allele frequency attached by ClinVar (database versions not stated): gnomAD exomes 0.00001 and 0.00002; TOPMed 0.00001; ExAC 0.00002; gnomAD 0.00003; 1000 Genomes Project 30x 0.00016; 1000 Genomes Project 0.00020.
gnomAD v4.1: 47 of 1,613,690 alleles (0.0029%); highest among the groups gnomAD compares: Middle Eastern, 0.049%; no homozygotes.

Submissions (3):

CeGaT Center for Human Genetics Tuebingen
Classification: Likely benign. Last evaluated: 2026-05-01. Review status: criteria provided, single submitter. Criteria: CeGaT Center For Human Genetics Tuebingen Variant Classification Criteria Version 2. Collection method: clinical testing. Allele origin: germline. Affected: yes. Observed: 1 variant allele.
Comment: SLX4: BP4, BP7

Labcorp Genetics (formerly Invitae), Labcorp
Classification: Likely benign for Fanconi anemia. Last evaluated: 2025-10-06. Review status: criteria provided, single submitter. Criteria: Invitae Variant Classification Sherloc (09022015). Collection method: clinical testing. Allele origin: germline.

Blueprint Genetics
Classification: Likely benign. Last evaluated: 2024-02-16. Review status: criteria provided, single submitter. Criteria: ACMG Guidelines, 2015. Collection method: clinical testing. Allele origin: germline.

NM_032444.4(SLX4):c.5265G>A (p.Ala1755=)

Gene: SLX4 (SLX4 structure-specific endonuclease subunit; minus strand). Cytogenetic location: 16p13.3.
Variant type: single nucleotide variant.
Coding change: c.5265G>A on transcript NM_032444.4 (MANE Select); coding-DNA position 5265, G replaced by A.
Protein change: p.Ala1755=; no amino-acid change (alanine 1755 retained).
Molecular consequence: synonymous variant.
Genome position (GRCh38, 1-based): chr16:3,582,582, C>T on the plus strand (G>A on the coding strand, the complement: SLX4 is on the minus strand). VCF-style: chr16-3582582-C-T. GRCh37 (hg19) VCF-style: chr16-3632583-C-T.
Identifiers: ClinVar variation 697035 (VCV000697035.14), dbSNP rs527440287, ClinGen allele CA7865352.